The following is an entry in ClinVar:

ClinVar aggregate classification (germline): Conflicting classifications of pathogenicity. Review status: criteria provided, conflicting classifications (1 of 4 stars). 2 submissions from 2 submitters: Uncertain significance (1); Likely benign (1). Last evaluated 2025-09-24.

Conditions:
Inborn genetic diseases. Identifiers: MedGen C0950123, MeSH D030342.
MED13-related disorder. Also called: MED13-related condition.

Allele frequency attached by ClinVar (database versions not stated): TOPMed 0.00003; ExAC 0.00004; gnomAD 0.00005.
gnomAD v4.1: 32 of 1,602,050 alleles (0.002%); highest among the groups gnomAD compares: Admixed American, 0.013%; no homozygotes.

Submissions (2):

Ambry Genetics
Classification: Likely benign for Inborn genetic diseases. Last evaluated: 2025-09-24. Review status: criteria provided, single submitter. Criteria: Ambry Variant Classification Scheme 2023. Collection method: clinical testing. Allele origin: germline.

PreventionGenetics, part of Exact Sciences
Classification: Uncertain significance for MED13-related condition. Last evaluated: 2022-11-21. Review status: criteria provided, single submitter. Criteria: ACMG Guidelines, 2015. Collection method: clinical testing. Allele origin: germline.
Comment: The MED13 c.5467G>A variant is predicted to result in the amino acid substitution p.Asp1823Asn. To our knowledge, this variant has not been reported in the literature. This variant is reported in 0.026% of alleles in individuals of Latino descent in gnomAD, which is likely too frequent for disease-causing variant in MED13. Although we suspect that this variant may be benign, at this time, the clinical significance of this variant is uncertain due to the absence of conclusive functional and genetic evidence.

NM_005121.3(MED13):c.5467G>A (p.Asp1823Asn)

Gene: MED13 (mediator complex subunit 13; minus strand). Cytogenetic location: 17q23.2.
Variant type: single nucleotide variant.
Coding change: c.5467G>A on transcript NM_005121.3 (MANE Select); coding-DNA position 5467, G replaced by A.
Protein change: p.Asp1823Asn; replaces aspartic acid 1823 with asparagine.
Molecular consequence: missense variant.
Genome position (GRCh38, 1-based): chr17:61,960,880, C>T on the plus strand (G>A on the coding strand, the complement: MED13 is on the minus strand). VCF-style: chr17-61960880-C-T. GRCh37 (hg19) VCF-style: chr17-60038241-C-T.
Other names: short protein forms D1823N.
Identifiers: ClinVar variation 2634082 (VCV002634082.2), dbSNP rs776980871, ClinGen allele CA8692164.